The following is an entry in ClinVar:

ClinVar aggregate classification (germline): Uncertain significance (1 of 4 stars; one submission).

Conditions:
Dilated cardiomyopathy 1HH (CMD1HH). Identifiers: Orphanet 154, MedGen C3151293, MONDO:0013479, OMIM 613881.
Myofibrillar myopathy 6. Identifiers: Orphanet 199340, MedGen C2751831, MONDO:0013061, OMIM 612954.

gnomAD v4.1: 1 of 1,614,250 alleles (0.000062%); highest among the groups gnomAD compares: Non-Finnish European, 0.000085%; no homozygotes.

Submission:

Labcorp Genetics (formerly Invitae), Labcorp
Classification: Uncertain significance for Dilated cardiomyopathy 1HH; Myofibrillar myopathy 6. Last evaluated: 2025-09-21. Review status: criteria provided, single submitter. Criteria: Invitae Variant Classification Sherloc (09022015). Collection method: clinical testing. Allele origin: germline.
Comment: This sequence change replaces proline, which is neutral and non-polar, with serine, which is neutral and polar, at codon 84 of the BAG3 protein (p.Pro84Ser). This variant is present in population databases (rs756864793, gnomAD 0.0009%). This variant has not been reported in the literature in individuals affected with BAG3-related conditions. Invitae Evidence Modeling of protein sequence and biophysical properties (such as structural, functional, and spatial information, amino acid conservation, physicochemical variation, residue mobility, and thermodynamic stability) indicates that this missense variant is not expected to disrupt BAG3 protein function with a negative predictive value of 80%. In summary, the available evidence is currently insufficient to determine the role of this variant in disease. Therefore, it has been classified as a Variant of Uncertain Significance.

NM_004281.4(BAG3):c.250C>T (p.Pro84Ser)

Gene: BAG3 (BAG cochaperone 3; plus strand). Cytogenetic location: 10q26.11.
Variant type: single nucleotide variant.
Coding change: c.250C>T on transcript NM_004281.4 (MANE Select); coding-DNA position 250, C replaced by T.
Protein change: p.Pro84Ser; replaces proline 84 with serine.
Molecular consequence: missense variant.
Genome position (GRCh38, 1-based): chr10:119,669,920, C>T. VCF-style: chr10-119669920-C-T. GRCh37 (hg19) VCF-style: chr10-121429432-C-T.
Other names: short protein forms P84S.
Identifiers: ClinVar variation 4783147 (VCV004783147.1).